The following is an entry in ClinVar:

NM_001365536.1(SCN9A):c.3127C>T (p.Leu1043Phe)

Genes: SCN9A (sodium voltage-gated channel alpha subunit 9; minus strand), SCN1A-AS1 (SCN1A and SCN9A antisense RNA 1; plus strand). Cytogenetic location: 2q24.3.
Variant type: single nucleotide variant.
Coding change: c.3127C>T on transcript NM_001365536.1 (MANE Select); coding-DNA position 3127, C replaced by T.
Protein change: p.Leu1043Phe; replaces leucine 1043 with phenylalanine.
Molecular consequence: missense variant.
Genome position (GRCh38, 1-based): chr2:166,272,623, G>A on the plus strand (C>T on the coding strand, the complement: SCN9A is on the minus strand). VCF-style: chr2-166272623-G-A. GRCh37 (hg19) VCF-style: chr2-167129133-G-A.
Other names: c.3094C>T, p.Leu1032Phe (NM_002977.4); short protein forms L1032F, L1043F.
Identifiers: ClinVar variation 1727494 (VCV001727494.7), dbSNP rs1179442548, ClinGen allele CA349073746.
Genomic context (GRCh38, chr2:166,272,623, plus strand): 5'-CAAAACCACTGATTTTATCTTTTTCCTTGAGGAAATTGTGACCTTTGCTCATTTCAGCAA[G>A]TGTATGGTTAGAAATATAGTTTTCCTTCTTAGTATTCAGATCTTCTGCTTGTCTTATCTC-3'
Protein context (NP_001352465.1, residues 1033-1053): KKENYISNHT[Leu1043Phe]AEMSKGHNFL

ClinVar aggregate classification (germline): Uncertain significance. Review status: criteria provided, multiple submitters, no conflicts (2 of 4 stars). 2 submissions from 2 submitters: Uncertain significance (2). Last evaluated 2022-03-18.

Conditions:
Neuropathy, hereditary sensory and autonomic, type 2A (HSAN2A). Also called: ACROOSTEOLYSIS, NEUROGENIC; ACROOSTEOLYSIS, GIACCAI TYPE; MORVAN DISEASE; NEUROPATHY, CONGENITAL SENSORY; NEUROPATHY, HEREDITARY SENSORY RADICULAR, AUTOSOMAL RECESSIVE; NEUROPATHY, HEREDITARY SENSORY, TYPE IIA. Identifiers: Orphanet 970, MedGen C2752089, MONDO:0024309, OMIM 201300.
Generalized epilepsy with febrile seizures plus, type 7 (GEFSP7). Also called: GEFS+, TYPE 7. Identifiers: Orphanet 36387, MedGen C2751778, MONDO:0013470, OMIM 613863.
Inborn genetic diseases. Identifiers: MedGen C0950123, MeSH D030342.

Allele frequency attached by ClinVar (database versions not stated): gnomAD exomes 0.00001; gnomAD 0.00003.
gnomAD v4.1: 18 of 1,613,180 alleles (0.0011%); highest among the groups gnomAD compares: African/African-American, 0.0027%; no homozygotes.

Submissions (2):

Labcorp Genetics (formerly Invitae), Labcorp
Classification: Uncertain significance for Neuropathy, hereditary sensory and autonomic, type 2A; Generalized epilepsy with febrile seizures plus, type 7. Last evaluated: 2022-03-18. Review status: criteria provided, single submitter. Criteria: Invitae Variant Classification Sherloc (09022015). Collection method: clinical testing. Allele origin: germline.
Comment: This sequence change replaces leucine, which is neutral and non-polar, with phenylalanine, which is neutral and non-polar, at codon 1032 of the SCN9A protein (p.Leu1032Phe). This variant is present in population databases (no rsID available, gnomAD 0.002%). This variant has not been reported in the literature in individuals affected with SCN9A-related conditions. Algorithms developed to predict the effect of missense changes on protein structure and function (SIFT, PolyPhen-2, Align-GVGD) all suggest that this variant is likely to be tolerated. In summary, the available evidence is currently insufficient to determine the role of this variant in disease. Therefore, it has been classified as a Variant of Uncertain Significance.

Ambry Genetics
Classification: Uncertain significance for Inborn genetic diseases. Last evaluated: 2019-11-12. Review status: criteria provided, single submitter. Criteria: Ambry Variant Classification Scheme 2023. Collection method: clinical testing. Allele origin: germline.
Comment: The p.L1032F variant (also known as c.3094C>T), located in coding exon 16 of the SCN9A gene, results from a C to T substitution at nucleotide position 3094. The leucine at codon 1032 is replaced by phenylalanine, an amino acid with highly similar properties. This amino acid position is not well conserved in available vertebrate species. In addition, this alteration is predicted to be tolerated by in silico analysis. Since supporting evidence is limited at this time, the clinical significance of this alteration remains unclear.